The following is an entry in ClinVar:

ClinVar aggregate classification (germline): Likely pathogenic. Review status: criteria provided, multiple submitters, no conflicts (2 of 4 stars). 5 submissions from 5 submitters: Likely pathogenic (4). 1 of the submissions does not count toward it. Last evaluated 2025-11-12.

Conditions:
Continuous spike and waves during slow sleep. Identifiers: MedGen C3806403, HP:0031491.
Intellectual developmental disorder, autosomal dominant 30, with speech delay and behavioral abnormalities. Also called: Intellectual disability, autosomal dominant 30. Identifiers: Orphanet 436151, MedGen C4015167, MONDO:0014486, OMIM 616083.

Submissions (5):

Greenwood Genetic Center Diagnostic Laboratories, Greenwood Genetic Center
Classification: Likely pathogenic for Intellectual developmental disorder, autosomal dominant 30, with speech delay and behavioral abnormalities. Last evaluated: 2025-11-12. Review status: criteria provided, single submitter. Criteria: ACMG Guidelines, 2015. Collection method: clinical testing. Allele origin: germline. Affected: yes.
Comment: PM6, PM2, PP2, PS4_Supporting

GeneDx
Classification: Likely pathogenic. Last evaluated: 2025-07-17. Review status: criteria provided, single submitter. Criteria: GeneDx Variant Classification Process June 2021. Collection method: clinical testing. Allele origin: germline. Affected: yes.
Comment: In silico analysis supports that this missense variant has a deleterious effect on protein structure/function; Not observed at significant frequency in large population cohorts (gnomAD); This variant is associated with the following publications: (PMID: 34216016)

Unidad de Genómica Garrahan, Hospital de Pediatría Garrahan
Classification: Likely pathogenic for Continuous spike and waves during slow sleep. Last evaluated: 2023-01-01. Review status: criteria provided, single submitter. Criteria: ACMG Guidelines, 2015. Collection method: clinical testing. Allele origin: de novo. Affected: yes. Observed: 1 variant allele.

Institute of Human Genetics, University of Leipzig Medical Center
Classification: Likely pathogenic for Intellectual developmental disorder, autosomal dominant 30, with speech delay and behavioral abnormalities. Last evaluated: 2021-04-13. Review status: criteria provided, single submitter. Criteria: ACMG Guidelines, 2015. Collection method: clinical testing. Allele origin: de novo. Inheritance: Sporadic. Affected: yes.
Comment: Atypical absences with eyelid myoclonia, atonic seizures, focal limb and face myoclonias, non-convulsive status epilepticus, generalised tonic-clonic seizure. EEG: 3y 2mo: Bursts of 2.5 Hz bilateral, frontal predominant spike-waves, along with eyelid myoclonias and slow head drops (atypical absences). Normal background. infantile hypotonia, delayed motor development, expressive language difficulties. Normocephalic.. No autism or behavioural problems. Normal MRI. See details in main text.Dysmorphism: Mild hypertelorism, short philtrum, hypoplastic teeth, left divergent strabismus

Clinical Genetics Laboratory, University Hospital Schleswig-Holstein
Classification: Likely pathogenic for Intellectual developmental disorder, autosomal dominant 30, with speech delay and behavioral abnormalities. Last evaluated: 2023-09-26. Review status: no assertion criteria provided. Collection method: clinical testing. Allele origin: germline. Affected: yes. Not counted in ClinVar's aggregate classification.

Literature cited by the submitters: PubMed 41652659 (cited by Unidad de Genómica Garrahan, Hospital de Pediatría Garrahan).

NM_001370100.5(ZMYND11):c.926G>A (p.Arg309His)

Gene: ZMYND11 (zinc finger MYND-type containing 11; plus strand). Cytogenetic location: 10p15.3.
Variant type: single nucleotide variant.
Coding change: c.926G>A on transcript NM_001370100.5 (MANE Select); coding-DNA position 926, G replaced by A.
Protein change: p.Arg309His; replaces arginine 309 with histidine.
Molecular consequence: missense variant. On other transcripts: non-coding transcript variant (1).
Genome position (GRCh38, 1-based): chr10:242,115, G>A. VCF-style: chr10-242115-G-A. GRCh37 (hg19) VCF-style: chr10-288055-G-A.
Other names: NP_001357029.1:p.(Arg309His); c.764G>A, p.Arg255His (NM_001202464.3, NM_001202467.1, NM_001370103.2 and 6 more transcripts); c.671G>A, p.Arg224His (NM_001202465.3, NM_001370110.2); c.761G>A, p.Arg254His (NM_001202466.3, NM_001370111.2); c.926G>A, p.Arg309His (NM_001202468.1, NM_001370097.3, NM_001370098.2 and 5 more transcripts); c.875G>A, p.Arg292His (NM_001330057.3, NM_001370112.2); c.833G>A, p.Arg278His (NM_001370113.2, NM_001370114.2); c.923G>A, p.Arg308His (NM_001370115.2, NM_212479.4); and 8 more; short protein forms R152H, R190H, R207H, R215H, R224H, R233H, R254H, R255H.
Identifiers: ClinVar variation 1064586 (VCV001064586.8), dbSNP rs2131810674, ClinGen allele CA375817091.